The following is an entry in ClinVar:

ClinVar aggregate classification (germline): no classifications from unflagged records (0 of 4 stars; one submission).

Conditions:
Hypertrophic cardiomyopathy 1 (CMH1). Also called: Familial hypertrophic cardiomyopathy 1; MYH7-Related Familial Hypertrophic Cardiomyopathy. Identifiers: MedGen C3495498, MONDO:0008647, OMIM 192600.

Submission:

3billion
Classification: Likely pathogenic for Hypertrophic cardiomyopathy 1. Last evaluated: 2023-11-08. Review status: flagged submission. Criteria: ACMG Guidelines, 2015. Collection method: clinical testing. Allele origin: germline. Affected: yes.
Comment: The variant is not observed in the gnomAD v2.1.1 dataset. Predicted Consequence/Location: The variant is located in a mutational hot spot and/or well-established functional domain in which established pathogenic variants have been reported (PMID: 29300372). In silico tool predictions suggest damaging effect of the variant on gene or gene product [REVEL: 0.77 (>=0.6, sensitivity 0.68 and specificity 0.92); 3Cnet: 0.65 (>=0.6, sensitivity 0.72 and precision 0.9)]. A different missense change at the same codon (p.Lys912Gln) has been reported to be associated with MYH7 related disorder (ClinVar ID: VCV000181204). However the evidence of pathogenicity is insufficient at this time. Therefore, this variant is classified as VUS according to the recommendation of ACMG/AMP guideline.
ClinVar note: Notes: Lab calls variant one of uncertain significance in evidence summary but submitted an interpretation of likely pathogenic.
ClinVar note: Reason: Other submission error

Literature cited by the submitters: PubMed 29300372.

NM_000257.4(MYH7):c.2735A>G (p.Lys912Arg)

Gene: MYH7 (myosin heavy chain 7; minus strand). Cytogenetic location: 14q11.2.
Variant type: single nucleotide variant.
Coding change: c.2735A>G on transcript NM_000257.4 (MANE Select); coding-DNA position 2735, A replaced by G.
Protein change: p.Lys912Arg; replaces lysine 912 with arginine.
Molecular consequence: missense variant.
Genome position (GRCh38, 1-based): chr14:23,424,094, T>C on the plus strand (A>G on the coding strand, the complement: MYH7 is on the minus strand). VCF-style: chr14-23424094-T-C. GRCh37 (hg19) VCF-style: chr14-23893303-T-C.
Other names: c.2735A>G, p.Lys912Arg (NM_001407004.1); short protein forms K912R.
Identifiers: ClinVar variation 3776202 (VCV003776202.1).